The following is an entry in ClinVar:

ClinVar aggregate classification (germline): Uncertain significance (1 of 4 stars; one submission).

Conditions:
Epidermodysplasia verruciformis. Identifiers: Orphanet 302, MedGen C0014522, MONDO:0009176.

Allele frequency attached by ClinVar (database versions not stated): ExAC 0.00001; gnomAD exomes 0.00001.
gnomAD v4.1: 7 of 1,604,474 alleles (0.00044%); highest among the groups gnomAD compares: Non-Finnish European, 0.00051%; no homozygotes.

Submission:

Labcorp Genetics (formerly Invitae), Labcorp
Classification: Uncertain significance for Epidermodysplasia verruciformis. Last evaluated: 2022-07-25. Review status: criteria provided, single submitter. Criteria: Invitae Variant Classification Sherloc (09022015). Collection method: clinical testing. Allele origin: germline.
Comment: This sequence change replaces cysteine, which is neutral and slightly polar, with phenylalanine, which is neutral and non-polar, at codon 705 of the TMC8 protein (p.Cys705Phe). The frequency data for this variant in the population databases is considered unreliable, as metrics indicate poor data quality at this position in the gnomAD database. This variant has not been reported in the literature in individuals affected with TMC8-related conditions. ClinVar contains an entry for this variant (Variation ID: 1439024). Algorithms developed to predict the effect of missense changes on protein structure and function are either unavailable or do not agree on the potential impact of this missense change (SIFT: "Deleterious"; PolyPhen-2: "Benign"; Align-GVGD: "Class C0"). In summary, the available evidence is currently insufficient to determine the role of this variant in disease. Therefore, it has been classified as a Variant of Uncertain Significance.

NM_152468.5(TMC8):c.2114G>T (p.Cys705Phe)

Gene: TMC8 (transmembrane channel like 8; plus strand). Cytogenetic location: 17q25.3.
Variant type: single nucleotide variant.
Coding change: c.2114G>T on transcript NM_152468.5 (MANE Select); coding-DNA position 2114, G replaced by T.
Protein change: p.Cys705Phe; replaces cysteine 705 with phenylalanine.
Molecular consequence: missense variant.
Genome position (GRCh38, 1-based): chr17:78,141,045, G>T. VCF-style: chr17-78141045-G-T. GRCh37 (hg19) VCF-style: chr17-76137126-G-T.
Other names: short protein forms C705F.
Identifiers: ClinVar variation 1439024 (VCV001439024.5), dbSNP rs749559253, ClinGen allele CA8797131.